The following is an entry in ClinVar:

ClinVar aggregate classification (germline): Uncertain significance. Review status: criteria provided, multiple submitters, no conflicts (2 of 4 stars). 5 submissions from 5 submitters: Uncertain significance (5). Last evaluated 2024-12-03.

Conditions:
Emery-Dreifuss muscular dystrophy 4, autosomal dominant (EDMD4). Also called: EMERY-DREIFUSS MUSCULAR DYSTROPHY 4 WITH VARIABLE FEATURES. Identifiers: Orphanet 261, MedGen C2751807, MONDO:0013071, OMIM 612998.
Autosomal recessive ataxia, Beauce type. Also called: Spinocerebellar ataxia, autosomal recessive 8; ATAXIA, RECESSIVE, OF BEAUCE; SYNE1 Deficiency; SYNE1-Related Autosomal Recessive Cerebellar Ataxia. Identifiers: Orphanet 88644, MedGen C1853116, MONDO:0012549, OMIM 610743.

Allele frequency attached by ClinVar (database versions not stated): ExAC 0.00002; gnomAD exomes 0.00003 and 0.00007; gnomAD 0.00004; TOPMed 0.00005; 1000 Genomes Project 30x 0.00031.
gnomAD v4.1: 107 of 1,614,154 alleles (0.0066%); highest among the groups gnomAD compares: Non-Finnish European, 0.0089%; no homozygotes.

Submissions (5):

Revvity Omics, Revvity
Classification: Uncertain significance. Last evaluated: 2024-12-03. Review status: criteria provided, single submitter. Criteria: ACMG Guidelines, 2015. Collection method: clinical testing. Allele origin: germline.

Blueprint Genetics
Classification: Uncertain significance. Last evaluated: 2024-02-23. Review status: criteria provided, single submitter. Criteria: ACMG Guidelines, 2015. Collection method: clinical testing. Allele origin: germline.

Labcorp Genetics (formerly Invitae), Labcorp
Classification: Uncertain significance for Emery-Dreifuss muscular dystrophy 4, autosomal dominant; Autosomal recessive ataxia, Beauce type. Last evaluated: 2022-07-05. Review status: criteria provided, single submitter. Criteria: Invitae Variant Classification Sherloc (09022015). Collection method: clinical testing. Allele origin: germline.
Comment: This sequence change replaces lysine, which is basic and polar, with arginine, which is basic and polar, at codon 3755 of the SYNE1 protein (p.Lys3755Arg). This variant is present in population databases (rs780693119, gnomAD 0.005%). This variant has not been reported in the literature in individuals affected with SYNE1-related conditions. ClinVar contains an entry for this variant (Variation ID: 598188). Algorithms developed to predict the effect of missense changes on protein structure and function are either unavailable or do not agree on the potential impact of this missense change (SIFT: "Deleterious"; PolyPhen-2: "Benign"; Align-GVGD: "Class C25"). In summary, the available evidence is currently insufficient to determine the role of this variant in disease. Therefore, it has been classified as a Variant of Uncertain Significance.

Athena Diagnostics
Classification: Uncertain significance. Last evaluated: 2020-11-06. Review status: criteria provided, single submitter. Criteria: Athena Diagnostics criteria. Collection method: clinical testing. Allele origin: unknown.

Eurofins Ntd Llc (ga)
Classification: Uncertain significance. Last evaluated: 2018-07-31. Review status: criteria provided, single submitter. Criteria: EGL ClinVar v180209 classification definitions. Collection method: clinical testing. Allele origin: germline. Observed: 1 variant allele, 1 heterozygote.

NM_182961.4(SYNE1):c.11309A>G (p.Lys3770Arg)

Gene: SYNE1 (spectrin repeat containing nuclear envelope protein 1; minus strand). Cytogenetic location: 6q25.2.
Variant type: single nucleotide variant.
Coding change: c.11309A>G on transcript NM_182961.4 (MANE Select); coding-DNA position 11309, A replaced by G.
Protein change: p.Lys3770Arg; replaces lysine 3770 with arginine.
Molecular consequence: missense variant.
Genome position (GRCh38, 1-based): chr6:152,352,298, T>C on the plus strand (A>G on the coding strand, the complement: SYNE1 is on the minus strand). VCF-style: chr6-152352298-T-C. GRCh37 (hg19) VCF-style: chr6-152673433-T-C.
Other names: c.11309A>G (NM_182961.2); c.11264A>G, p.Lys3755Arg (NM_033071.5); short protein forms K3755R, K3770R.
Identifiers: ClinVar variation 598188 (VCV000598188.13), dbSNP rs780693119, ClinGen allele CA4056714.